The following is an entry in ClinVar:

ClinVar aggregate classification (germline): Likely pathogenic (1 of 4 stars; one submission).

Conditions:
Intellectual developmental disorder with seizures and language delay (IDDSELD). Identifiers: MedGen C5436574, MONDO:0033559, OMIM 619000.

Submission:

Neuberg Centre For Genomic Medicine, NCGM
Classification: Likely pathogenic for Intellectual developmental disorder with seizures and language delay. Review status: criteria provided, single submitter. Criteria: ACMG Guidelines, 2015. Collection method: clinical testing. Allele origin: germline. Inheritance: Autosomal dominant inheritance. Affected: yes.
Comment: The observed frameshift variant c.5100_5103del(p.Tyr1701SerfsTer42) in SETD1B gene has not been reported previously as a pathogenic variant nor as a benign variant, to our knowledge. The c.5100_5103del variant is absent in gnomAD Exomes. This variant causes a frameshift starting with codon Tyrosine 1701, changes this amino acid to Serine residue, and creates a premature Stop codon at position 42 of the new reading frame, denoted p.Tyr1701SerfsTer42. This variant is predicted to cause loss of normal protein function through protein truncation. Loss of function variants have been previously reported to be disease causing (Roston et al., 2021). For these reasons, this variant has been classified as Likely Pathogenic.

NM_001353345.2(SETD1B):c.5100_5103del (p.Tyr1701fs)

Gene: SETD1B (SET domain containing 1B, histone lysine methyltransferase; plus strand). Cytogenetic location: 12q24.31.
Variant type: Deletion.
Coding change: c.5100_5103del on transcript NM_001353345.2 (MANE Select); coding-DNA positions 5100 to 5103, 4 bases deleted (CTAC; older notation c.5100_5103delCTAC).
Protein change: p.Tyr1701fs; shifts the reading frame from tyrosine 1701.
Molecular consequence: frameshift variant.
Genome position (GRCh38, 1-based): chr12:121,823,679-121,823,682, CTAC deleted; deleting any 4 consecutive bases within chr12:121,823,677-121,823,682 gives the same sequence; the c. name uses the placement nearest the transcript's 3' end. VCF-style (leftmost placement, unchanged base first): chr12-121823676-CACCT-C. GRCh37 (hg19) VCF-style: chr12-122261582-CACCT-C.
Other names: short protein forms Y1701fs.
Identifiers: ClinVar variation 3241984 (VCV003241984.1), dbSNP rs2500238557.
Genomic context (GRCh38, chr12:121,823,676, plus strand): 5'-CATCCTGTATGACATCTGGAACGGTGGCATCGATGAGGAGGACATCCGCTTCCTGTGTGT[CACCT>C]ACGAGCGACTGCTACAGCAGGACAATGGCATGGACTGGCTTAACGACACGCTCTGGGTCT-3'